The following is an entry in ClinVar:

ClinVar aggregate classification (germline): Uncertain significance (1 of 4 stars; one submission).

Conditions:
Hereditary cancer-predisposing syndrome. Also called: Neoplastic Syndromes, Hereditary; Tumor predisposition; Hereditary Cancer Syndrome; Hereditary neoplastic syndrome. Identifiers: Orphanet 140162, MedGen C0027672, MeSH D009386, MONDO:0015356.

Submission:

Ambry Genetics
Classification: Uncertain significance for Hereditary cancer-predisposing syndrome. Last evaluated: 2024-12-02. Review status: criteria provided, single submitter. Criteria: Ambry Variant Classification Scheme 2023. Collection method: clinical testing. Allele origin: germline.
Comment: The p.V803D variant (also known as c.2408T>A), located in coding exon 14 of the PMS2 gene, results from a T to A substitution at nucleotide position 2408. The valine at codon 803 is replaced by aspartic acid, an amino acid with highly dissimilar properties. This amino acid position is conserved. In addition, this alteration is predicted to be deleterious by in silico analysis. Based on the available evidence, the clinical significance of this variant remains unclear.

NM_000535.7(PMS2):c.2408T>A (p.Val803Asp)

Gene: PMS2 (PMS1 homolog 2, mismatch repair system component; minus strand). Cytogenetic location: 7p22.1.
Variant type: single nucleotide variant.
Coding change: c.2408T>A on transcript NM_000535.7 (MANE Select); coding-DNA position 2408, T replaced by A.
Protein change: p.Val803Asp; replaces valine 803 with aspartic acid.
Molecular consequence: missense variant. On other transcripts: non-coding transcript variant (1).
Genome position (GRCh38, 1-based): chr7:5,977,625, A>T on the plus strand (T>A on the coding strand, the complement: PMS2 is on the minus strand). VCF-style: chr7-5977625-A-T. GRCh37 (hg19) VCF-style: chr7-6017256-A-T.
Other names: c.2003T>A, p.Val668Asp (NM_001322003.2, NM_001322004.2, NM_001322005.2 and 11 more transcripts); c.2252T>A, p.Val751Asp (NM_001322006.2); c.2090T>A, p.Val697Asp (NM_001322007.2, NM_001322008.2, NM_001406883.1); c.2036T>A, p.Val679Asp (NM_001322009.2, NM_001406887.1, NM_001406888.1); c.1847T>A, p.Val616Asp (NM_001322010.2, NM_001406906.1, NM_001406907.1); c.1475T>A, p.Val492Asp (NM_001322011.2, NM_001322012.2); c.1835T>A, p.Val612Asp (NM_001322013.2, NM_001406908.1, NM_001406909.1); c.2441T>A, p.Val814Asp (NM_001322014.2); and 20 more; short protein forms V402D, V492D, V616D, V632D, V645D, V691D, V751D, V767D.
Identifiers: ClinVar variation 3421541 (VCV003421541.1).